The following is an entry in ClinVar:

ClinVar aggregate classification (germline): Likely benign (0 of 4 stars; one submission).

Conditions:
NCOA1-related disorder. Also called: NCOA1-related condition.

Allele frequency attached by ClinVar (database versions not stated): gnomAD 0.00003; ExAC 0.00009; 1000 Genomes Project 30x 0.00016; 1000 Genomes Project 0.00020.
gnomAD v4.1: 64 of 1,613,336 alleles (0.004%); highest among the groups gnomAD compares: Middle Eastern, 0.067%; no homozygotes.

Submission:

PreventionGenetics, part of Exact Sciences
Classification: Likely benign for NCOA1-related condition. Last evaluated: 2021-08-31. Review status: no assertion criteria provided. Collection method: clinical testing. Allele origin: germline.
Comment: This variant is classified as likely benign based on ACMG/AMP sequence variant interpretation guidelines (Richards et al. 2015 PMID: 25741868, with internal and published modifications).

NM_003743.5(NCOA1):c.4281C>T (p.Pro1427=)

Gene: NCOA1 (nuclear receptor coactivator 1; plus strand). Cytogenetic location: 2p23.3.
Variant type: single nucleotide variant.
Coding change: c.4281C>T on transcript NM_003743.5 (MANE Select); coding-DNA position 4281, C replaced by T.
Protein change: p.Pro1427=; no amino-acid change (proline 1427 retained).
Molecular consequence: synonymous variant. On other transcripts: 3 prime UTR variant (5).
Genome position (GRCh38, 1-based): chr2:24,768,346, C>T. VCF-style: chr2-24768346-C-T. GRCh37 (hg19) VCF-style: chr2-24991215-C-T.
Other names: c.*138C>T (NM_001362950.1, NM_001362952.1, NM_001362955.1 and 1 more transcripts); c.*135C>T (NM_001362954.1); c.4278C>T, p.Pro1426= (NM_147233.2).
Identifiers: ClinVar variation 3051061 (VCV003051061.2), dbSNP rs529179321, ClinGen allele CA1552864.